The following is an entry in ClinVar:

NM_000059.4(BRCA2):c.2080_2081delinsT (p.Asn694fs)

Gene: BRCA2 (BRCA2 DNA repair associated; plus strand). Cytogenetic location: 13q13.1.
Variant type: Indel.
Coding change: c.2080_2081delinsT on transcript NM_000059.4 (MANE Select); coding-DNA positions 2080 to 2081, AA replaced by T.
Protein change: p.Asn694fs; shifts the reading frame from asparagine 694.
Molecular consequence: frameshift variant. On other transcripts: non-coding transcript variant (1), intron variant (2).
Genome position (GRCh38, 1-based): chr13:32,336,435-32,336,436, AA replaced by T. VCF-style: chr13-32336435-AA-T. GRCh37 (hg19) VCF-style: chr13-32910572-AA-T.
Other names: c.2080_2081delinsT, p.Asn694fs (NM_001406720.1, NM_001432077.1, NM_001406719.1); c.1909+3048_1909+3049delinsT (NM_001406721.1); c.424+5405_424+5406delinsT (NM_001406722.1); short protein forms N694fs.
Identifiers: ClinVar variation 4876079 (VCV004876079.1).

ClinVar aggregate classification (germline): Pathogenic (1 of 4 stars; one submission).

Conditions:
Breast-ovarian cancer, familial, susceptibility to, 2 (BROVCA2). Also called: BRCA2 Hereditary Breast and Ovarian Cancer. Identifiers: Orphanet 145, MedGen C2675520, MONDO:0012933, OMIM 612555. Disease mechanism: loss of function.

Submission:

Myriad Genetics, Inc.
Classification: Pathogenic for Breast-ovarian cancer, familial, susceptibility to, 2. Last evaluated: 2026-06-01. Review status: criteria provided, single submitter. Criteria: Myriad Autosomal Dominant, Autosomal Recessive and X-Linked Classification Criteria (2023). Collection method: clinical testing. Allele origin: unknown.
Comment: This variant is considered pathogenic. This variant creates a frameshift predicted to result in premature protein truncation.